The following is an entry in ClinVar:

ClinVar aggregate classification (germline): Benign/Likely benign. Review status: criteria provided, multiple submitters, no conflicts (2 of 4 stars). 7 submissions from 7 submitters: Benign (1); Likely benign (5). 1 of the submissions does not count toward it. Last evaluated 2026-02-03.

Conditions:
Pheochromocytoma. Also called: MAX-Related Hereditary Paraganglioma-Pheochromocytoma Syndrome. Identifiers: Orphanet 29072, MedGen C0031511, MONDO:0008233, OMIM 171300, HP:0002666.
Hirschsprung disease, susceptibility to, 1 (HSCR1). Also called: RET-Related Hirschsprung Disease. Identifiers: Orphanet 388, MedGen C3888239, MONDO:0007723, OMIM 142623.
Familial medullary thyroid carcinoma (MTC). Also called: Thyroid cancer, familial medullary; MTC, familial; Familial Medullary Thyroid Carcinoma (FMTC). Identifiers: Orphanet 653, Orphanet 99361, MedGen C1833921, MONDO:0007958, OMIM 155240.
Multiple endocrine neoplasia type 2B. Also called: WAGENMANN-FROBOESE SYNDROME; MULTIPLE ENDOCRINE NEOPLASIA, TYPE III; MEN 2B; MUCOSAL NEUROMA SYNDROME; MULTIPLE ENDOCRINE NEOPLASIA, TYPE IIB; MEN IIB. Identifiers: Orphanet 247709, Orphanet 653, MedGen C0025269, MeSH D018814, MONDO:0008082, OMIM 162300.
Multiple endocrine neoplasia type 2A. Also called: MULTIPLE ENDOCRINE NEOPLASIA, TYPE IIA; PTC SYNDROME; SIPPLE SYNDROME; MEN 2A; MEN-2A syndrome; Pheochromocytoma and amyloid producing medullary thyroid carcinoma. Identifiers: Orphanet 247698, Orphanet 653, MedGen C0025268, MeSH D018813, MONDO:0008234, OMIM 171400.
RET-related disorder. Also called: RET-related disorders; RET-related condition; RET-related disease.
Hereditary cancer-predisposing syndrome. Also called: Tumor predisposition; Hereditary neoplastic syndrome; Neoplastic Syndromes, Hereditary; Hereditary Cancer Syndrome. Identifiers: Orphanet 140162, MedGen C0027672, MeSH D009386, MONDO:0015356.
Multiple endocrine neoplasia, type 2 (MEN2). Identifiers: Orphanet 653, MedGen C4048306, MONDO:0019003. Disease mechanism: gain of function.

Allele frequency attached by ClinVar (database versions not stated): ExAC 0.00002; gnomAD exomes 0.00003; TOPMed 0.00004; gnomAD 0.00005 and 0.00006; ESP Exome Variant Server 0.00008.
gnomAD v4.1: 170 of 1,612,824 alleles (0.011%); highest among the groups gnomAD compares: Non-Finnish European, 0.014%; no homozygotes.

Submissions (7):

Labcorp Genetics (formerly Invitae), Labcorp
Classification: Likely benign for Multiple endocrine neoplasia, type 2. Last evaluated: 2026-02-03. Review status: criteria provided, single submitter. Criteria: Invitae Variant Classification Sherloc (09022015). Collection method: clinical testing. Allele origin: germline.

Myriad Genetics, Inc.
Classification: Benign for Multiple endocrine neoplasia type 2A. Last evaluated: 2025-02-27. Review status: criteria provided, single submitter. Criteria: Myriad Autosomal Dominant, Autosomal Recessive and X-Linked Classification Criteria (2023). Collection method: clinical testing. Allele origin: unknown.
Comment: This variant is considered benign. This variant is a silent/synonymous amino acid change and it is not expected to impact splicing.

All of Us Research Program, National Institutes of Health
Classification: Likely benign for Multiple endocrine neoplasia, type 2. Last evaluated: 2024-01-11. Review status: criteria provided, single submitter. Criteria: ACMG Guidelines, 2015. Collection method: clinical testing. Allele origin: germline. Inheritance: Autosomal dominant inheritance. Observed: 13 variant alleles, 13 heterozygotes.
Comment: This study involves interpretation of variants in research participants for the purpose of population health screening. Participant phenotype was not available at the time of variant classification. Additional details can be found in publication PMID: 35346344, PMCID: PMC8962531

Color Diagnostics, LLC DBA Color Health
Classification: Likely benign for Multiple endocrine neoplasia, type 2. Last evaluated: 2022-09-16. Review status: criteria provided, single submitter. Criteria: ACMG Guidelines, 2015. Collection method: clinical testing. Allele origin: germline.

Fulgent Genetics
Classification: Likely benign for Hirschsprung disease, susceptibility to, 1; Familial medullary thyroid carcinoma; Multiple endocrine neoplasia type 2B; Pheochromocytoma; Multiple endocrine neoplasia type 2A. Last evaluated: 2021-09-01. Review status: criteria provided, single submitter. Criteria: ACMG Guidelines, 2015. Collection method: clinical testing. Allele origin: unknown.

Ambry Genetics
Classification: Likely benign for Hereditary cancer-predisposing syndrome. Last evaluated: 2016-01-25. Review status: criteria provided, single submitter. Criteria: Ambry Variant Classification Scheme 2023. Collection method: clinical testing. Allele origin: germline.

PreventionGenetics, part of Exact Sciences
Classification: Likely benign for RET-related condition. Last evaluated: 2022-09-29. Review status: no assertion criteria provided. Collection method: clinical testing. Allele origin: germline. Not counted in ClinVar's aggregate classification.
Comment: This variant is classified as likely benign based on ACMG/AMP sequence variant interpretation guidelines (Richards et al. 2015 PMID: 25741868, with internal and published modifications).

NM_020975.6(RET):c.2742A>G (p.Pro914=)

Gene: RET (ret proto-oncogene; plus strand). Cytogenetic location: 10q11.21.
Variant type: single nucleotide variant.
Coding change: c.2742A>G on transcript NM_020975.6 (MANE Select); coding-DNA position 2742, A replaced by G.
Protein change: p.Pro914=; no amino-acid change (proline 914 retained).
Molecular consequence: synonymous variant.
Genome position (GRCh38, 1-based): chr10:43,121,957, A>G. VCF-style: chr10-43121957-A-G. GRCh37 (hg19) VCF-style: chr10-43617405-A-G.
Other names: c.2742A>G, p.Pro914= (NM_000323.2, NM_001406743.1, NM_001406744.1 and 4 more transcripts); c.1980A>G, p.Pro660= (NM_001355216.2); c.2613A>G, p.Pro871= (NM_001406761.1, NM_001406762.1, NM_001406764.1); c.2607A>G, p.Pro869= (NM_001406763.1, NM_001406765.1); c.2454A>G, p.Pro818= (NM_001406766.1, NM_001406767.1, NM_001406770.1); c.2478A>G, p.Pro826= (NM_001406768.1); c.2346A>G, p.Pro782= (NM_001406769.1, NM_001406772.1); c.2304A>G, p.Pro768= (NM_001406771.1, NM_001406773.1); and 10 more.
Identifiers: ClinVar variation 241351 (VCV000241351.22), dbSNP rs375963128, ClinGen allele CA040812.